The following is an entry in ClinVar:

ClinVar aggregate classification (germline): Uncertain significance (1 of 4 stars; one submission).

Submission:

Women's Health and Genetics/Laboratory Corporation of America, LabCorp
Classification: Uncertain significance. Last evaluated: 2025-10-29. Review status: criteria provided, single submitter. Criteria: LabCorp Variant Classification Summary - May 2015. Collection method: clinical testing. Allele origin: germline.
Comment: Variant summary: DYNC1H1 c.5222G>C (p.Trp1741Ser) results in a non-conservative amino acid change in the encoded protein sequence. Algorithms developed to predict the effect of missense changes on protein structure and function all suggest that this variant is likely to be disruptive. The variant was absent in 251434 control chromosomes. The available data on variant occurrences in the general population are insufficient to allow any conclusion about variant significance. To our knowledge, no occurrence of c.5222G>C in individuals affected with DYNC1H1-related conditions and no experimental evidence demonstrating its impact on protein function have been reported. No submitters have cited clinical-significance assessments for this variant to ClinVar. Based on the evidence outlined above, the variant was classified as uncertain significance.

NM_001376.5(DYNC1H1):c.5222G>C (p.Trp1741Ser)

Gene: DYNC1H1 (dynein cytoplasmic 1 heavy chain 1; plus strand). Cytogenetic location: 14q32.31.
Variant type: single nucleotide variant.
Coding change: c.5222G>C on transcript NM_001376.5 (MANE Select); coding-DNA position 5222, G replaced by C.
Protein change: p.Trp1741Ser; replaces tryptophan 1741 with serine.
Molecular consequence: missense variant.
Genome position (GRCh38, 1-based): chr14:102,004,934, G>C. VCF-style: chr14-102004934-G-C. GRCh37 (hg19) VCF-style: chr14-102471271-G-C.
Other names: short protein forms W1741S.
Identifiers: ClinVar variation 4687471 (VCV004687471.1).